The following is an entry in ClinVar:

NM_000245.4(MET):c.2346A>G (p.Ala782=)

Gene: MET (MET proto-oncogene, receptor tyrosine kinase; plus strand). Cytogenetic location: 7q31.2.
Variant type: single nucleotide variant.
Coding change: c.2346A>G on transcript NM_000245.4 (MANE Select); coding-DNA position 2346, A replaced by G.
Protein change: p.Ala782=; no amino-acid change (alanine 782 retained).
Molecular consequence: synonymous variant.
Genome position (GRCh38, 1-based): chr7:116,759,472, A>G. VCF-style: chr7-116759472-A-G. GRCh37 (hg19) VCF-style: chr7-116399526-A-G.
Other names: c.2400A>G, p.Ala800= (NM_001127500.3); c.2346A>G, p.Ala782= (NM_001324401.3); c.1056A>G, p.Ala352= (NM_001324402.2).
Identifiers: ClinVar variation 3773191 (VCV003773191.2).

ClinVar aggregate classification (germline): Benign/Likely benign. Review status: criteria provided, multiple submitters, no conflicts (2 of 4 stars). 2 submissions from 2 submitters: Benign (1); Likely benign (1). Last evaluated 2026-07-13.

Conditions:
Papillary renal cell carcinoma type 1 (RCCP1). Also called: RENAL CELL CARCINOMA, PAPILLARY, 1, SOMATIC; Renal adenocarcinoma; Renal cell carcinoma 1; Renal cell carcinoma, somatic. Identifiers: Orphanet 47044, MedGen C1336839, OMIM 605074, HP:0011797.
Hereditary cancer-predisposing syndrome. Also called: Tumor predisposition; Hereditary neoplastic syndrome; Hereditary Cancer Syndrome; Neoplastic Syndromes, Hereditary. Identifiers: Orphanet 140162, MedGen C0027672, MeSH D009386, MONDO:0015356.

Submissions (2):

Ambry Genetics
Classification: Likely benign for Hereditary cancer-predisposing syndrome. Last evaluated: 2026-07-13. Review status: criteria provided, single submitter. Criteria: Ambry Variant Classification Scheme 2023. Collection method: clinical testing. Allele origin: germline.

Myriad Genetics, Inc.
Classification: Benign for Papillary renal cell carcinoma type 1. Last evaluated: 2024-11-11. Review status: criteria provided, single submitter. Criteria: Myriad Autosomal Dominant, Autosomal Recessive and X-Linked Classification Criteria (2023). Collection method: clinical testing. Allele origin: unknown.
Comment: This variant is considered benign. This variant is a silent/synonymous amino acid change and it is not expected to impact splicing.